The following is an entry in ClinVar:

NM_001166108.2(PALLD):c.2783C>T (p.Pro928Leu)

Genes: CBR4 (carbonyl reductase 4; minus strand), PALLD (palladin, cytoskeletal associated protein; plus strand). Cytogenetic location: 4q32.3.
Variant type: single nucleotide variant.
Coding change: c.2783C>T on transcript NM_001166108.2 (MANE Select); coding-DNA position 2783, C replaced by T.
Protein change: p.Pro928Leu; replaces proline 928 with leucine.
Molecular consequence: missense variant.
Genome position (GRCh38, 1-based): chr4:168,915,960, C>T. VCF-style: chr4-168915960-C-T. GRCh37 (hg19) VCF-style: chr4-169837111-C-T.
Other names: c.1586C>T, p.Pro529Leu (NM_001166109.2); c.1271C>T, p.Pro424Leu (NM_001166110.2); c.611C>T, p.Pro204Leu (NM_001367567.1, NM_001367569.1); c.662C>T, p.Pro221Leu (NM_001367568.1, NM_001367570.1); c.2732C>T, p.Pro911Leu (NM_016081.4); short protein forms P529L, P424L, P911L, P221L, P928L, P204L.
Identifiers: ClinVar variation 3304046 (VCV003304046.1).

ClinVar aggregate classification (germline): Uncertain significance (1 of 4 stars; one submission).

Submission:

Ambry Genetics
Classification: Uncertain significance. Last evaluated: 2024-03-28. Review status: criteria provided, single submitter. Criteria: Ambry Variant Classification Scheme 2023. Collection method: clinical testing. Allele origin: germline.
Comment: The p.P911L variant (also known as c.2732C>T), located in coding exon 15 of the PALLD gene, results from a C to T substitution at nucleotide position 2732. The proline at codon 911 is replaced by leucine, an amino acid with similar properties. This amino acid position is conserved. In addition, this alteration is predicted to be deleterious by in silico analysis. Based on the available evidence, the clinical significance of this alteration remains unclear.